The following is an entry in ClinVar:

NM_004519.4(KCNQ3):c.2162C>A (p.Pro721His)

Gene: KCNQ3 (potassium voltage-gated channel subfamily Q member 3; minus strand). Cytogenetic location: 8q24.22.
Variant type: single nucleotide variant.
Coding change: c.2162C>A on transcript NM_004519.4 (MANE Select); coding-DNA position 2162, C replaced by A.
Protein change: p.Pro721His; replaces proline 721 with histidine.
Molecular consequence: missense variant.
Genome position (GRCh38, 1-based): chr8:132,129,719, G>T on the plus strand (C>A on the coding strand, the complement: KCNQ3 is on the minus strand). VCF-style: chr8-132129719-G-T. GRCh37 (hg19) VCF-style: chr8-133141966-G-T.
Other names: c.1802C>A, p.Pro601His (NM_001204824.2); short protein forms P601H, P721H.
Identifiers: ClinVar variation 1398099 (VCV001398099.8), dbSNP rs779605492, ClinGen allele CA4880496.

ClinVar aggregate classification (germline): Uncertain significance (1 of 4 stars; one submission).

Conditions:
Benign neonatal seizures. Also called: Benign neonatal familial convulsions; Benign familial neonatal epilepsy; Convulsions benign familial neonatal dominant form; Autosomal dominant form of benign neonatal seizures; Benign familial neonatal seizures. Identifiers: Orphanet 1949, MedGen C0220669, MONDO:0016027.

Allele frequency attached by ClinVar (database versions not stated): gnomAD exomes below 0.00001; ExAC 0.00001; gnomAD 0.00001; TOPMed 0.00002.
gnomAD v4.1: 8 of 1,614,044 alleles (0.0005%); highest among the groups gnomAD compares: African/African-American, 0.0013%; no homozygotes.

Submission:

Labcorp Genetics (formerly Invitae), Labcorp
Classification: Uncertain significance for Benign neonatal seizures. Last evaluated: 2024-08-05. Review status: criteria provided, single submitter. Criteria: Invitae Variant Classification Sherloc (09022015). Collection method: clinical testing. Allele origin: germline.
Comment: This sequence change replaces proline, which is neutral and non-polar, with histidine, which is basic and polar, at codon 721 of the KCNQ3 protein (p.Pro721His). This variant is present in population databases (rs779605492, gnomAD 0.007%). This variant has not been reported in the literature in individuals affected with KCNQ3-related conditions. ClinVar contains an entry for this variant (Variation ID: 1398099). Advanced modeling of protein sequence and biophysical properties (such as structural, functional, and spatial information, amino acid conservation, physicochemical variation, residue mobility, and thermodynamic stability) performed at Invitae indicates that this missense variant is not expected to disrupt KCNQ3 protein function with a negative predictive value of 95%. In summary, the available evidence is currently insufficient to determine the role of this variant in disease. Therefore, it has been classified as a Variant of Uncertain Significance.